The following is an entry in ClinVar:

ClinVar aggregate classification (germline): Uncertain significance. Review status: criteria provided, multiple submitters, no conflicts (2 of 4 stars). 2 submissions from 2 submitters: Uncertain significance (2). Last evaluated 2025-02-12.

Conditions:
Cardiovascular phenotype. Identifiers: MedGen CN230736.
Hereditary cancer-predisposing syndrome. Also called: Neoplastic Syndromes, Hereditary; Tumor predisposition; Hereditary Cancer Syndrome; Hereditary neoplastic syndrome. Identifiers: Orphanet 140162, MedGen C0027672, MeSH D009386, MONDO:0015356.

Allele frequency attached by ClinVar (database versions not stated): gnomAD exomes below 0.00001.
gnomAD v4.1: 3 of 1,612,092 alleles (0.00019%); highest among the groups gnomAD compares: South Asian, 0.0011%; no homozygotes.

Submissions (2):

Ambry Genetics
Classification: Uncertain significance for Cardiovascular phenotype; Hereditary cancer-predisposing syndrome. Last evaluated: 2025-02-12. Review status: criteria provided, single submitter. Criteria: Ambry Variant Classification Scheme 2023. Collection method: clinical testing. Allele origin: germline.
Comment: The p.R588Q variant (also known as c.1763G>A), located in coding exon 15 of the LZTR1 gene, results from a G to A substitution at nucleotide position 1763. The arginine at codon 588 is replaced by glutamine, an amino acid with highly similar properties. This amino acid position is conserved. In addition, this alteration is predicted to be tolerated by in silico analysis. Since supporting evidence is limited at this time, the clinical significance of this alteration remains unclear.

Labcorp Genetics (formerly Invitae), Labcorp
Classification: Uncertain significance. Last evaluated: 2023-12-23. Review status: criteria provided, single submitter. Criteria: Invitae Variant Classification Sherloc (09022015). Collection method: clinical testing. Allele origin: germline.
Comment: This sequence change replaces arginine, which is basic and polar, with glutamine, which is neutral and polar, at codon 588 of the LZTR1 protein (p.Arg588Gln). This variant is not present in population databases (gnomAD no frequency). This variant has not been reported in the literature in individuals affected with LZTR1-related conditions. ClinVar contains an entry for this variant (Variation ID: 1779623). Advanced modeling of protein sequence and biophysical properties (such as structural, functional, and spatial information, amino acid conservation, physicochemical variation, residue mobility, and thermodynamic stability) performed at Invitae indicates that this missense variant is not expected to disrupt LZTR1 protein function with a negative predictive value of 80%. In summary, the available evidence is currently insufficient to determine the role of this variant in disease. Therefore, it has been classified as a Variant of Uncertain Significance.

NM_006767.4(LZTR1):c.1763G>A (p.Arg588Gln)

Gene: LZTR1 (leucine zipper like post translational regulator 1; plus strand). Cytogenetic location: 22q11.21.
Variant type: single nucleotide variant.
Coding change: c.1763G>A on transcript NM_006767.4 (MANE Select); coding-DNA position 1763, G replaced by A.
Protein change: p.Arg588Gln; replaces arginine 588 with glutamine.
Molecular consequence: missense variant.
Genome position (GRCh38, 1-based): chr22:20,994,705, G>A. VCF-style: chr22-20994705-G-A. GRCh37 (hg19) VCF-style: chr22-21348994-G-A.
Other names: short protein forms R588Q.
Identifiers: ClinVar variation 1779623 (VCV001779623.8), dbSNP rs374677947, ClinGen allele CA410778262.